The following is an entry in ClinVar:

ClinVar aggregate classification (germline): Uncertain significance (1 of 4 stars; one submission).

Submission:

CeGaT Center for Human Genetics Tuebingen
Classification: Uncertain significance. Last evaluated: 2023-11-01. Review status: criteria provided, single submitter. Criteria: CeGaT Center For Human Genetics Tuebingen Variant Classification Criteria Version 2. Collection method: clinical testing. Allele origin: germline. Affected: yes. Observed: 1 variant allele.
Comment: SOX5: PM2, PP3

NM_006940.6(SOX5):c.1586G>C (p.Gly529Ala)

Gene: SOX5 (SRY-box transcription factor 5; minus strand). Cytogenetic location: 12p12.1.
Variant type: single nucleotide variant.
Coding change: c.1586G>C on transcript NM_006940.6 (MANE Select); coding-DNA position 1586, G replaced by C.
Protein change: p.Gly529Ala; replaces glycine 529 with alanine.
Molecular consequence: missense variant.
Genome position (GRCh38, 1-based): chr12:23,546,327, C>G on the plus strand (G>C on the coding strand, the complement: SOX5 is on the minus strand). VCF-style: chr12-23546327-C-G. GRCh37 (hg19) VCF-style: chr12-23699261-C-G.
Other names: c.1223G>C, p.Gly408Ala (NM_001261414.3); c.1556G>C, p.Gly519Ala (NM_001261415.3); c.1481G>C, p.Gly494Ala (NM_001330785.2); c.1547G>C, p.Gly516Ala (NM_152989.5); c.428G>C, p.Gly143Ala (NM_178010.4); short protein forms G143A, G408A, G494A, G516A, G519A, G529A.
Identifiers: ClinVar variation 2672493 (VCV002672493.23), dbSNP rs2547839009, ClinGen allele CA384320114.